The following is an entry in ClinVar:

NM_006440.5(TXNRD2):c.1275+18C>T

Gene: TXNRD2 (thioredoxin reductase 2; minus strand). Cytogenetic location: 22q11.21.
Variant type: single nucleotide variant.
Coding change: c.1275+18C>T on transcript NM_006440.5 (MANE Select); 18 bases into the intron after coding-DNA position 1275, C replaced by T.
Molecular consequence: intron variant.
Genome position (GRCh38, 1-based): chr22:19,880,161, G>A on the plus strand (C>T on the coding strand, the complement: TXNRD2 is on the minus strand). VCF-style: chr22-19880161-G-A. GRCh37 (hg19) VCF-style: chr22-19867684-G-A.
Other names: c.1272+18C>T (NM_001352300.2); c.987+18C>T (NM_001352302.2); c.1185+18C>T (NM_001352301.2).
Identifiers: ClinVar variation 391118 (VCV000391118.6), dbSNP rs374333900, ClinGen allele CA10103730.

ClinVar aggregate classification (germline): Likely benign. Review status: criteria provided, multiple submitters, no conflicts (2 of 4 stars). 2 submissions from 2 submitters: Likely benign (2). Last evaluated 2025-01-29.

Conditions:
Primary dilated cardiomyopathy (DCM). Also called: Dilated Cardiomyopathy. Identifiers: Orphanet 217604, MedGen C0007193, MeSH D002311, MONDO:0005021, HP:0001644. Inheritance: Various modes of inheritance.

Allele frequency attached by ClinVar (database versions not stated): gnomAD exomes 0.00005 and 0.00003; ExAC 0.00009; 1000 Genomes Project 30x 0.00016; 1000 Genomes Project 0.00020; gnomAD 0.00021 and 0.00023; TOPMed 0.00023; ESP Exome Variant Server 0.00038.
gnomAD v4.1: 74 of 1,611,842 alleles (0.0046%); highest among the groups gnomAD compares: African/African-American, 0.095%; no homozygotes.

Submissions (2):

Labcorp Genetics (formerly Invitae), Labcorp
Classification: Likely benign for Primary dilated cardiomyopathy. Last evaluated: 2025-01-29. Review status: criteria provided, single submitter. Criteria: Invitae Variant Classification Sherloc (09022015). Collection method: clinical testing. Allele origin: germline.

GeneDx
Classification: Likely benign. Last evaluated: 2016-12-05. Review status: criteria provided, single submitter. Criteria: GeneDx Variant Classification (06012015). Collection method: clinical testing. Allele origin: germline. Affected: yes.
Comment: This variant is considered likely benign or benign based on one or more of the following criteria: it is a conservative change, it occurs at a poorly conserved position in the protein, it is predicted to be benign by multiple in silico algorithms, and/or has population frequency not consistent with disease.